The following is an entry in ClinVar:

ClinVar aggregate classification (germline): Uncertain significance. Review status: criteria provided, multiple submitters, no conflicts (2 of 4 stars). 2 submissions from 2 submitters: Uncertain significance (2). Last evaluated 2022-06-15.

Conditions:
Congenital neutropenia-myelofibrosis-nephromegaly syndrome. Also called: Severe congenital neutropenia 5, autosomal recessive. Identifiers: Orphanet 369852, MedGen C3809031, MONDO:0014118, OMIM 615285.

gnomAD v4.1: 53 of 1,614,002 alleles (0.0033%); highest among the groups gnomAD compares: South Asian, 0.053%; no homozygotes.

Submissions (2):

Labcorp Genetics (formerly Invitae), Labcorp
Classification: Uncertain significance for Congenital neutropenia-myelofibrosis-nephromegaly syndrome. Last evaluated: 2022-06-15. Review status: criteria provided, single submitter. Criteria: Invitae Variant Classification Sherloc (09022015). Collection method: clinical testing. Allele origin: germline.
Comment: This sequence change replaces arginine, which is basic and polar, with proline, which is neutral and non-polar, at codon 555 of the VPS45 protein (p.Arg555Pro). This variant is present in population databases (rs142968690, gnomAD 0.04%). This variant has not been reported in the literature in individuals affected with VPS45-related conditions. ClinVar contains an entry for this variant (Variation ID: 218697). Algorithms developed to predict the effect of missense changes on protein structure and function (SIFT, PolyPhen-2, Align-GVGD) all suggest that this variant is likely to be tolerated. In summary, the available evidence is currently insufficient to determine the role of this variant in disease. Therefore, it has been classified as a Variant of Uncertain Significance.

Genomic Diagnostic Laboratory, Division of Genomic Diagnostics, Children's Hospital of Philadelphia
Classification: Uncertain significance. Last evaluated: 2015-08-03. Review status: criteria provided, single submitter. Criteria: DGD Variant Analysis Guidelines. Collection method: clinical testing. Allele origin: unknown.

NM_007259.5(VPS45):c.1664G>C (p.Arg555Pro)

Gene: VPS45 (vacuolar protein sorting 45 homolog; plus strand). Cytogenetic location: 1q21.2.
Variant type: single nucleotide variant.
Coding change: c.1664G>C on transcript NM_007259.5 (MANE Select); coding-DNA position 1664, G replaced by C.
Protein change: p.Arg555Pro; replaces arginine 555 with proline.
Molecular consequence: missense variant. On other transcripts: synonymous variant (1), non-coding transcript variant (1).
Genome position (GRCh38, 1-based): chr1:150,144,747, G>C. VCF-style: chr1-150144747-G-C. GRCh37 (hg19) VCF-style: chr1-150116925-G-C.
Other names: c.1443G>C, p.Pro481= (NM_001279353.2); c.1556G>C, p.Arg519Pro (NM_001279354.2); short protein forms R555P, R519P.
Identifiers: ClinVar variation 218697 (VCV000218697.4), dbSNP rs142968690, ClinGen allele CA249361.